The following is an entry in ClinVar:

NM_001130009.3(GEN1):c.1942G>A (p.Asp648Asn)

Gene: GEN1 (GEN1 structure-specific endonuclease; plus strand). Cytogenetic location: 2p24.2.
Variant type: single nucleotide variant.
Coding change: c.1942G>A on transcript NM_001130009.3 (MANE Select); coding-DNA position 1942, G replaced by A.
Protein change: p.Asp648Asn; replaces aspartic acid 648 with asparagine.
Molecular consequence: missense variant.
Genome position (GRCh38, 1-based): chr2:17,781,154, G>A. VCF-style: chr2-17781154-G-A. GRCh37 (hg19) VCF-style: chr2-17962421-G-A.
Other names: c.1942G>A, p.Asp648Asn (NM_182625.5); short protein forms D648N.
Identifiers: ClinVar variation 3853456 (VCV003853456.2).

ClinVar aggregate classification (germline): Uncertain significance. Review status: criteria provided, multiple submitters, no conflicts (2 of 4 stars). 2 submissions from 2 submitters: Uncertain significance (2). Last evaluated 2025-02-12.

gnomAD v4.1: 1 of 1,613,940 alleles (0.000062%); highest among the groups gnomAD compares: Non-Finnish European, 0.000085%; no homozygotes.

Submissions (2):

Labcorp Genetics (formerly Invitae), Labcorp
Classification: Uncertain significance. Last evaluated: 2025-02-12. Review status: criteria provided, single submitter. Criteria: Invitae Variant Classification Sherloc (09022015). Collection method: clinical testing. Allele origin: germline.
Comment: This sequence change replaces aspartic acid, which is acidic and polar, with asparagine, which is neutral and polar, at codon 648 of the GEN1 protein (p.Asp648Asn). This variant is present in population databases (rs746782810, gnomAD 0.0009%). This variant has not been reported in the literature in individuals affected with GEN1-related conditions. An algorithm developed to predict the effect of missense changes on protein structure and function outputs the following: PolyPhen-2: "Benign". The asparagine amino acid residue is found in multiple mammalian species, which suggests that this missense change does not adversely affect protein function. In summary, the available evidence is currently insufficient to determine the role of this variant in disease. Therefore, it has been classified as a Variant of Uncertain Significance.

Ambry Genetics
Classification: Uncertain significance. Last evaluated: 2024-12-23. Review status: criteria provided, single submitter. Criteria: Ambry Variant Classification Scheme 2023. Collection method: clinical testing. Allele origin: germline.
Comment: The p.D648N variant (also known as c.1942G>A), located in coding exon 13 of the GEN1 gene, results from a G to A substitution at nucleotide position 1942. The aspartic acid at codon 648 is replaced by asparagine, an amino acid with highly similar properties. This amino acid position is conserved. In addition, this alteration is predicted to be tolerated by in silico analysis. Based on the available evidence, the clinical significance of this variant remains unclear.